The following is an entry in ClinVar:

ClinVar aggregate classification (germline): Uncertain significance. Review status: criteria provided, multiple submitters, no conflicts (2 of 4 stars). 2 submissions from 2 submitters: Uncertain significance (2). Last evaluated 2025-10-27.

Conditions:
Hereditary cancer-predisposing syndrome. Also called: Neoplastic Syndromes, Hereditary; Hereditary Cancer Syndrome; Tumor predisposition; Hereditary neoplastic syndrome. Identifiers: Orphanet 140162, MedGen C0027672, MeSH D009386, MONDO:0015356.

gnomAD v4.1: 6 of 1,608,180 alleles (0.00037%); highest among the groups gnomAD compares: South Asian, 0.0044%; no homozygotes.

Submissions (2):

Ambry Genetics
Classification: Uncertain significance for Hereditary cancer-predisposing syndrome. Last evaluated: 2025-10-27. Review status: criteria provided, single submitter. Criteria: Ambry Variant Classification Scheme 2023. Collection method: clinical testing. Allele origin: germline.
Comment: The c.-5C>G variant is located in the 5' untranslated region (5&rsquo; UTR) of the SDHB gene. This variant results from a C to G substitution 5 bases upstream from the first translated codon. This nucleotide position is well conserved in available vertebrate species. Based on the available evidence, the clinical significance of this variant remains unclear.

GeneDx
Classification: Uncertain significance. Last evaluated: 2023-03-22. Review status: criteria provided, single submitter. Criteria: GeneDx Variant Classification Process June 2021. Collection method: clinical testing. Allele origin: germline. Affected: yes.
Comment: Not observed at significant frequency in large population cohorts (gnomAD); Nucleotide substitution has no predicted effect on splicing and is not conserved across species; Has not been previously published as pathogenic or benign to our knowledge

NM_003000.3(SDHB):c.-5C>G

Gene: SDHB (succinate dehydrogenase complex iron sulfur subunit B; minus strand). Cytogenetic location: 1p36.13.
Variant type: single nucleotide variant.
Coding change: c.-5C>G on transcript NM_003000.3 (MANE Select); 5 bases upstream of the start codon, C replaced by G.
Molecular consequence: 5 prime UTR variant.
Genome position (GRCh38, 1-based): chr1:17,054,024, G>C on the plus strand (C>G on the coding strand, the complement: SDHB is on the minus strand). VCF-style: chr1-17054024-G-C. GRCh37 (hg19) VCF-style: chr1-17380519-G-C.
Other names: c.-5C>G (NM_001407361.1).
Identifiers: ClinVar variation 2446140 (VCV002446140.4), dbSNP rs200890535, ClinGen allele CA521030119.